The following is an entry in ClinVar:

NM_001034850.3(RETREG1):c.379C>G (p.Arg127Gly)

Gene: RETREG1 (reticulophagy regulator 1; minus strand). Cytogenetic location: 5p15.1.
Variant type: single nucleotide variant.
Coding change: c.379C>G on transcript NM_001034850.3 (MANE Select); coding-DNA position 379, C replaced by G.
Protein change: p.Arg127Gly; replaces arginine 127 with glycine.
Molecular consequence: missense variant.
Genome position (GRCh38, 1-based): chr5:16,572,044, G>C on the plus strand (C>G on the coding strand, the complement: RETREG1 is on the minus strand). VCF-style: chr5-16572044-G-C. GRCh37 (hg19) VCF-style: chr5-16572153-G-C.
Other names: short protein forms R127G.
Identifiers: ClinVar variation 538119 (VCV000538119.9), dbSNP rs78314670, ClinGen allele CA359292421.

ClinVar aggregate classification (germline): Uncertain significance (1 of 4 stars; one submission).

gnomAD v4.1: 1 of 1,613,352 alleles (0.000062%); highest among the groups gnomAD compares: Non-Finnish European, 0.000085%; no homozygotes.

Submission:

Labcorp Genetics (formerly Invitae), Labcorp
Classification: Uncertain significance. Last evaluated: 2022-08-23. Review status: criteria provided, single submitter. Criteria: Invitae Variant Classification Sherloc (09022015). Collection method: clinical testing. Allele origin: germline.
Comment: This sequence change replaces arginine, which is basic and polar, with glycine, which is neutral and non-polar, at codon 127 of the FAM134B protein (p.Arg127Gly). This variant is present in population databases (no rsID available, gnomAD 0.01%). This variant has not been reported in the literature in individuals affected with FAM134B-related conditions. ClinVar contains an entry for this variant (Variation ID: 538119). Algorithms developed to predict the effect of missense changes on protein structure and function (SIFT, PolyPhen-2, Align-GVGD) all suggest that this variant is likely to be tolerated. In summary, the available evidence is currently insufficient to determine the role of this variant in disease. Therefore, it has been classified as a Variant of Uncertain Significance.